The following is an entry in ClinVar:

ClinVar aggregate classification (germline): Uncertain significance (1 of 4 stars; one submission).

Conditions:
Hereditary cancer-predisposing syndrome. Also called: Tumor predisposition; Hereditary neoplastic syndrome; Neoplastic Syndromes, Hereditary; Hereditary Cancer Syndrome. Identifiers: Orphanet 140162, MedGen C0027672, MeSH D009386, MONDO:0015356.

Submission:

Labcorp Genetics (formerly Invitae), Labcorp
Classification: Uncertain significance for Hereditary cancer-predisposing syndrome. Last evaluated: 2023-02-07. Review status: criteria provided, single submitter. Criteria: Invitae Variant Classification Sherloc (09022015). Collection method: clinical testing. Allele origin: germline.
Comment: This sequence change replaces arginine, which is basic and polar, with serine, which is neutral and polar, at codon 254 of the RAD50 protein (p.Arg254Ser). This variant is not present in population databases (gnomAD no frequency). In summary, the available evidence is currently insufficient to determine the role of this variant in disease. Therefore, it has been classified as a Variant of Uncertain Significance. Algorithms developed to predict the effect of sequence changes on RNA splicing suggest that this variant may create or strengthen a splice site. Advanced modeling of protein sequence and biophysical properties (such as structural, functional, and spatial information, amino acid conservation, physicochemical variation, residue mobility, and thermodynamic stability) performed at Invitae indicates that this missense variant is not expected to disrupt RAD50 protein function. ClinVar contains an entry for this variant (Variation ID: 856138). This variant has not been reported in the literature in individuals affected with RAD50-related conditions.

NM_005732.4(RAD50):c.760C>A (p.Arg254Ser)

Gene: RAD50 (RAD50 double strand break repair protein; plus strand). Cytogenetic location: 5q31.1.
Variant type: single nucleotide variant.
Coding change: c.760C>A on transcript NM_005732.4 (MANE Select); coding-DNA position 760, C replaced by A.
Protein change: p.Arg254Ser; replaces arginine 254 with serine.
Molecular consequence: missense variant.
Genome position (GRCh38, 1-based): chr5:132,587,565, C>A. VCF-style: chr5-132587565-C-A. GRCh37 (hg19) VCF-style: chr5-131923257-C-A.
Other names: short protein forms R254S.
Identifiers: ClinVar variation 856138 (VCV000856138.10), dbSNP rs555367432, ClinGen allele CA360939988.